The following is an entry in ClinVar:

NM_001128148.3(TFRC):c.491A>G (p.Asn164Ser)

Gene: TFRC (transferrin receptor; minus strand). Cytogenetic location: 3q29.
Variant type: single nucleotide variant.
Coding change: c.491A>G on transcript NM_001128148.3 (MANE Select); coding-DNA position 491, A replaced by G.
Protein change: p.Asn164Ser; replaces asparagine 164 with serine.
Molecular consequence: missense variant. On other transcripts: 5 prime UTR variant (1).
Genome position (GRCh38, 1-based): chr3:196,072,096, T>C on the plus strand (A>G on the coding strand, the complement: TFRC is on the minus strand). VCF-style: chr3-196072096-T-C. GRCh37 (hg19) VCF-style: chr3-195798967-T-C.
Other names: c.248A>G, p.Asn83Ser (NM_001313965.2); c.-356A>G (NM_001313966.2); c.491A>G, p.Asn164Ser (NM_003234.4); short protein forms N164S, N83S.
Identifiers: ClinVar variation 2457285 (VCV002457285.5), dbSNP rs759531099, ClinGen allele CA2778290.
Genomic context (GRCh38, chr3:196,072,096, plus strand): 5'-TCACGCCAGACTTTGCTGAGTTTAAATTCACGAAATTGATTTTCAACATACAACGCAAGA[T>C]TTTCATCTTTTTGAGATCCAGCCTCACGAGGGACATATGAATTTTCATTCAGCAGCCTGG-3'
Protein context (NP_001121620.1, residues 154-174): PREAGSQKDE[Asn164Ser]LALYVENQFR

ClinVar aggregate classification (germline): Conflicting classifications of pathogenicity. Review status: criteria provided, conflicting classifications (1 of 4 stars). 2 submissions from 2 submitters: Uncertain significance (1); Likely benign (1). Last evaluated 2025-12-23.

Conditions:
Inborn genetic diseases. Identifiers: MedGen C0950123, MeSH D030342.

Allele frequency attached by ClinVar (database versions not stated): gnomAD exomes 0.00001; ExAC 0.00004.
gnomAD v4.1: 17 of 1,614,186 alleles (0.0011%); highest among the groups gnomAD compares: Admixed American, 0.0017%; no homozygotes.

Submissions (2):

Labcorp Genetics (formerly Invitae), Labcorp
Classification: Uncertain significance. Last evaluated: 2025-12-23. Review status: criteria provided, single submitter. Criteria: Invitae Variant Classification Sherloc (09022015). Collection method: clinical testing. Allele origin: germline.
Comment: This sequence change replaces asparagine, which is neutral and polar, with serine, which is neutral and polar, at codon 164 of the TFRC protein (p.Asn164Ser). This variant is present in population databases (rs759531099, gnomAD 0.004%). This variant has not been reported in the literature in individuals affected with TFRC-related conditions. ClinVar contains an entry for this variant (Variation ID: 2457285). Invitae Evidence Modeling of protein sequence and biophysical properties (such as structural, functional, and spatial information, amino acid conservation, physicochemical variation, residue mobility, and thermodynamic stability) indicates that this missense variant is not expected to disrupt TFRC protein function with a negative predictive value of 80%. In summary, the available evidence is currently insufficient to determine the role of this variant in disease. Therefore, it has been classified as a Variant of Uncertain Significance.

Ambry Genetics
Classification: Likely benign for Inborn genetic diseases. Last evaluated: 2023-02-14. Review status: criteria provided, single submitter. Criteria: Ambry Variant Classification Scheme 2023. Collection method: clinical testing. Allele origin: germline.